The following is an entry in ClinVar:

NM_000384.3(APOB):c.11571G>T (p.Val3857=)

Gene: APOB (apolipoprotein B; minus strand). Cytogenetic location: 2p24.1.
Variant type: single nucleotide variant.
Coding change: c.11571G>T on transcript NM_000384.3 (MANE Select); coding-DNA position 11571, G replaced by T.
Protein change: p.Val3857=; no amino-acid change (valine 3857 retained).
Molecular consequence: synonymous variant.
Genome position (GRCh38, 1-based): chr2:21,005,297, C>A on the plus strand (G>T on the coding strand, the complement: APOB is on the minus strand). VCF-style: chr2-21005297-C-A. GRCh37 (hg19) VCF-style: chr2-21228169-C-A.
Identifiers: ClinVar variation 919266 (VCV000919266.23), dbSNP rs113604891, ClinGen allele CA43491688.

ClinVar aggregate classification (germline): Likely benign. Review status: criteria provided, multiple submitters, no conflicts (2 of 4 stars). 3 submissions from 3 submitters: Likely benign (3). Last evaluated 2025-09-01.

Conditions:
Hypercholesterolemia, autosomal dominant, type B (FHCL2). Also called: Familial Hypercholesterolemia Type B; Hyperlipoproteinemia Type IIb; APOB-Related Familial Hypercholesterolemia, Autosomal Dominant; Familial hypercholesterolemia 2; HYPERCHOLESTEROLEMIA, FAMILIAL, DUE TO LIGAND-DEFECTIVE APOLIPOPROTEIN B; APOLIPOPROTEIN B-100, FAMILIAL DEFECTIVE. Identifiers: MedGen C1704417, MONDO:0007751, OMIM 144010.
Familial hypobetalipoproteinemia 1. Also called: Hypobetalipoproteinemia, normotriglyceridemic; Acanthocytosis with hypobetalipoproteinemia; APOB-Related Familial Hypobetalipoproteinemia. Identifiers: MedGen C4551990, MONDO:0014252, OMIM 615558.
Cardiovascular phenotype. Identifiers: MedGen CN230736.

Allele frequency attached by ClinVar (database versions not stated): TOPMed below 0.00001; gnomAD 0.00002.
gnomAD v4.1: 39 of 1,614,032 alleles (0.0024%); highest among the groups gnomAD compares: African/African-American, 0.024%; 1 homozygote.

Submissions (3):

CeGaT Center for Human Genetics Tuebingen
Classification: Likely benign. Last evaluated: 2025-09-01. Review status: criteria provided, single submitter. Criteria: CeGaT Center For Human Genetics Tuebingen Variant Classification Criteria Version 2. Collection method: clinical testing. Allele origin: germline. Affected: yes. Observed: 1 variant allele.
Comment: APOB: BP4, BP7

Labcorp Genetics (formerly Invitae), Labcorp
Classification: Likely benign for Familial hypobetalipoproteinemia 1; Hypercholesterolemia, autosomal dominant, type B. Last evaluated: 2022-02-11. Review status: criteria provided, single submitter. Criteria: Invitae Variant Classification Sherloc (09022015). Collection method: clinical testing. Allele origin: germline.

Ambry Genetics
Classification: Likely benign for Cardiovascular phenotype. Last evaluated: 2017-04-03. Review status: criteria provided, single submitter. Criteria: Ambry Variant Classification Scheme 2023. Collection method: clinical testing. Allele origin: germline.